The following is an entry in ClinVar:

ClinVar aggregate classification (germline): Pathogenic/Likely pathogenic. Review status: criteria provided, multiple submitters, no conflicts (2 of 4 stars). 4 submissions from 4 submitters: Pathogenic (2); Likely pathogenic (2). Last evaluated 2026-01-08.

Conditions:
SKIC3-related disorder. Also called: SKIC3-related condition.
Trichohepatoenteric syndrome 1 (THES1). Also called: DIARRHEA, FATAL INFANTILE, WITH TRICHORRHEXIS NODOSA. Identifiers: Orphanet 84064, MedGen C4551982, MONDO:0024541, OMIM 222470.
TTC37-related disorders.

gnomAD v4.1: 9 of 1,602,636 alleles (0.00056%); highest among the groups gnomAD compares: South Asian, 0.0022%; no homozygotes.

Submissions (4):

PreventionGenetics, part of Exact Sciences
Classification: Likely pathogenic for SKIC3-related condition. Last evaluated: 2026-01-08. Review status: criteria provided, single submitter. Criteria: ACMG Guidelines, 2015. Collection method: clinical testing. Allele origin: germline.
Comment: The SKIC3 c.2921-1G>A variant is predicted to disrupt the AG splice acceptor site and interfere with normal splicing. To our knowledge, this variant has not been reported in the literature. This variant is reported in 0.00088% of alleles in individuals of European (Non-Finnish) descent in gnomAD. Variants that disrupt the consensus splice acceptor site in SKIC3 are expected to be pathogenic. This variant is interpreted as likely pathogenic.

Labcorp Genetics (formerly Invitae), Labcorp
Classification: Pathogenic. Last evaluated: 2025-11-18. Review status: criteria provided, single submitter. Criteria: Invitae Variant Classification Sherloc (09022015). Collection method: clinical testing. Allele origin: germline.
Comment: This sequence change affects an acceptor splice site in intron 28 of the TTC37 gene. It is expected to disrupt RNA splicing. Variants that disrupt the donor or acceptor splice site typically lead to a loss of protein function (PMID: 16199547), and loss-of-function variants in TTC37 are known to be pathogenic (PMID: 20176027, 21120949). This variant is present in population databases (no rsID available, gnomAD 0.0009%). Disruption of this splice site has been observed in individuals with trichohepatoenteric syndrome (PMID: 23974064, 29527791). ClinVar contains an entry for this variant (Variation ID: 1896207). Algorithms developed to predict the effect of sequence changes on RNA splicing suggest that this variant may disrupt the consensus splice site. For these reasons, this variant has been classified as Pathogenic.

Aleixo Muise Laboratory, Hospital For Sick Children
Classification: Pathogenic for Trichohepatoenteric syndrome 1. Last evaluated: 2024-07-05. Review status: criteria provided, single submitter. Criteria: ACMG Guidelines, 2015. Collection method: research. Allele origin: inherited. Affected: yes. Observed: 1 variant allele.
Comment: PVS1;PS1;PM2;PM3;PP3;PP4

Blueprint Genetics
Classification: Likely pathogenic for TTC37-related disorders. Last evaluated: 2023-10-23. Review status: criteria provided, single submitter. Criteria: ACMG Guidelines, 2015. Collection method: clinical testing. Allele origin: germline. Affected: yes. Observed: 5 variant alleles.

Literature cited by the submitters: PubMed 16199547 (cited by Labcorp Genetics (formerly Invitae), Labcorp); PubMed 20176027 (cited by Labcorp Genetics (formerly Invitae), Labcorp); PubMed 21120949 (cited by Labcorp Genetics (formerly Invitae), Labcorp); PubMed 23974064 (cited by Labcorp Genetics (formerly Invitae), Labcorp); PubMed 29527791 (cited by Labcorp Genetics (formerly Invitae), Labcorp).

NM_014639.4(SKIC3):c.2921-1G>A

Gene: SKIC3 (SKI3 subunit of superkiller complex; minus strand). Cytogenetic location: 5q15.
Variant type: single nucleotide variant.
Coding change: c.2921-1G>A on transcript NM_014639.4 (MANE Select); the canonical splice acceptor site of the intron before coding-DNA position 2921, G replaced by A.
Molecular consequence: splice acceptor variant.
Genome position (GRCh38, 1-based): chr5:95,509,688, C>T on the plus strand (G>A on the coding strand, the complement: SKIC3 is on the minus strand). VCF-style: chr5-95509688-C-T. GRCh37 (hg19) VCF-style: chr5-94845392-C-T.
Other names: c.2921-1G>A (NM_014639.3).
Identifiers: ClinVar variation 1896207 (VCV001896207.9), dbSNP rs1438402975, ClinGen allele CA360455063.